The following is an entry in ClinVar:

NM_004855.5(PIGB):c.610G>A (p.Ala204Thr)

Gene: PIGB (phosphatidylinositol glycan anchor biosynthesis class B; plus strand). Cytogenetic location: 15q21.3.
Variant type: single nucleotide variant.
Coding change: c.610G>A on transcript NM_004855.5 (MANE Select); coding-DNA position 610, G replaced by A.
Protein change: p.Ala204Thr; replaces alanine 204 with threonine.
Molecular consequence: missense variant.
Genome position (GRCh38, 1-based): chr15:55,329,811, G>A. VCF-style: chr15-55329811-G-A. GRCh37 (hg19) VCF-style: chr15-55622009-G-A.
Other names: short protein forms A204T.
Identifiers: ClinVar variation 2857080 (VCV002857080.3), dbSNP rs2543089643, ClinGen allele CA392542202.

ClinVar aggregate classification (germline): Uncertain significance (1 of 4 stars; one submission).

Submission:

Labcorp Genetics (formerly Invitae), Labcorp
Classification: Uncertain significance. Last evaluated: 2025-10-12. Review status: criteria provided, single submitter. Criteria: Invitae Variant Classification Sherloc (09022015). Collection method: clinical testing. Allele origin: germline.
Comment: This sequence change replaces alanine, which is neutral and non-polar, with threonine, which is neutral and polar, at codon 204 of the PIGB protein (p.Ala204Thr). This variant is not present in population databases (gnomAD no frequency). This variant has not been reported in the literature in individuals affected with PIGB-related conditions. ClinVar contains an entry for this variant (Variation ID: 2857080). Invitae Evidence Modeling of protein sequence and biophysical properties (such as structural, functional, and spatial information, amino acid conservation, physicochemical variation, residue mobility, and thermodynamic stability) indicates that this missense variant is not expected to disrupt PIGB protein function with a negative predictive value of 80%. In summary, the available evidence is currently insufficient to determine the role of this variant in disease. Therefore, it has been classified as a Variant of Uncertain Significance.